The following is an entry in ClinVar:

NM_004656.4(BAP1):c.2100G>A (p.Arg700=)

Gene: BAP1 (BRCA1 associated deubiquitinase 1; minus strand). Cytogenetic location: 3p21.1.
Variant type: single nucleotide variant.
Coding change: c.2100G>A on transcript NM_004656.4 (MANE Select); coding-DNA position 2100, G replaced by A.
Protein change: p.Arg700=; no amino-acid change (arginine 700 retained).
Molecular consequence: synonymous variant.
Genome position (GRCh38, 1-based): chr3:52,402,378, C>T on the plus strand (G>A on the coding strand, the complement: BAP1 is on the minus strand). VCF-style: chr3-52402378-C-T. GRCh37 (hg19) VCF-style: chr3-52436394-C-T.
Other names: c.2046G>A, p.Arg682= (NM_001410772.1).
Identifiers: ClinVar variation 3986093 (VCV003986093.9).
Genomic context (GRCh38, chr3:52,402,378, plus strand): 5'-GCGTTTCCGCCGGTCAGGCTTCCGCTGCTTGTGGAGCCGGCCGATGCTGACCCCTTGGCG[C>T]CGCCGCACGGAGATGTTCTGCTCCACTAGGTTGGCCAGCATGCCTGCGAAGAGGTAGAGA-3'
Protein context (NP_004647.1, residues 690-710): NLVEQNISVR[Arg700=]RQGVSIGRLH

ClinVar aggregate classification (germline): Likely benign. Review status: criteria provided, multiple submitters, no conflicts (2 of 4 stars). 2 submissions from 2 submitters: Likely benign (2). Last evaluated 2025-07-01.

Conditions:
Hereditary cancer-predisposing syndrome. Also called: Neoplastic Syndromes, Hereditary; Tumor predisposition; Hereditary Cancer Syndrome; Hereditary neoplastic syndrome. Identifiers: Orphanet 140162, MedGen C0027672, MeSH D009386, MONDO:0015356.

Submissions (2):

CeGaT Center for Human Genetics Tuebingen
Classification: Likely benign. Last evaluated: 2025-07-01. Review status: criteria provided, single submitter. Criteria: CeGaT Center For Human Genetics Tuebingen Variant Classification Criteria Version 2. Collection method: clinical testing. Allele origin: germline. Affected: yes. Observed: 1 variant allele.
Comment: BAP1: BP4, BP7

Ambry Genetics
Classification: Likely benign for Hereditary cancer-predisposing syndrome. Last evaluated: 2025-04-17. Review status: criteria provided, single submitter. Criteria: Ambry Variant Classification Scheme 2023. Collection method: clinical testing. Allele origin: germline.